The following is an entry in ClinVar:

ClinVar aggregate classification (germline): Uncertain significance. Review status: criteria provided, multiple submitters, no conflicts (2 of 4 stars). 2 submissions from 2 submitters: Uncertain significance (2). Last evaluated 2024-01-20.

Conditions:
Donnai-Barrow syndrome. Also called: DBS/FOAR SYNDROME; FACIOOCULOACOUSTICORENAL SYNDROME. Identifiers: Orphanet 2143, MedGen C1857277, MONDO:0009104, OMIM 222448.

Allele frequency attached by ClinVar (database versions not stated): TOPMed below 0.00001; ExAC 0.00001; gnomAD exomes 0.00001.
gnomAD v4.1: 9 of 1,614,232 alleles (0.00056%); highest among the groups gnomAD compares: South Asian, 0.0022%; no homozygotes.

Submissions (2):

Fulgent Genetics
Classification: Uncertain significance for Donnai-Barrow syndrome. Last evaluated: 2024-01-20. Review status: criteria provided, single submitter. Criteria: ACMG Guidelines, 2015. Collection method: clinical testing. Allele origin: germline.

Labcorp Genetics (formerly Invitae), Labcorp
Classification: Uncertain significance. Last evaluated: 2022-10-17. Review status: criteria provided, single submitter. Criteria: Invitae Variant Classification Sherloc (09022015). Collection method: clinical testing. Allele origin: germline.
Comment: This sequence change replaces isoleucine, which is neutral and non-polar, with valine, which is neutral and non-polar, at codon 2257 of the LRP2 protein (p.Ile2257Val). This variant is present in population databases (rs756699137, gnomAD 0.004%). This variant has not been reported in the literature in individuals affected with LRP2-related conditions. Advanced modeling of protein sequence and biophysical properties (such as structural, functional, and spatial information, amino acid conservation, physicochemical variation, residue mobility, and thermodynamic stability) performed at Invitae indicates that this missense variant is not expected to disrupt LRP2 protein function. In summary, the available evidence is currently insufficient to determine the role of this variant in disease. Therefore, it has been classified as a Variant of Uncertain Significance.

NM_004525.3(LRP2):c.6769A>G (p.Ile2257Val)

Gene: LRP2 (LDL receptor related protein 2; minus strand). Cytogenetic location: 2q31.1.
Variant type: single nucleotide variant.
Coding change: c.6769A>G on transcript NM_004525.3 (MANE Select); coding-DNA position 6769, A replaced by G.
Protein change: p.Ile2257Val; replaces isoleucine 2257 with valine.
Molecular consequence: missense variant.
Genome position (GRCh38, 1-based): chr2:169,206,951, T>C on the plus strand (A>G on the coding strand, the complement: LRP2 is on the minus strand). VCF-style: chr2-169206951-T-C. GRCh37 (hg19) VCF-style: chr2-170063461-T-C.
Other names: short protein forms I2257V.
Identifiers: ClinVar variation 1991925 (VCV001991925.2), dbSNP rs756699137, ClinGen allele CA1954224.